The following is an entry in ClinVar:

ClinVar aggregate classification (germline): Uncertain significance. Review status: criteria provided, multiple submitters, no conflicts (2 of 4 stars). 2 submissions from 2 submitters: Uncertain significance (2). Last evaluated 2025-06-24.

Conditions:
Inborn genetic diseases. Identifiers: MedGen C0950123, MeSH D030342.

Allele frequency attached by ClinVar (database versions not stated): ExAC 0.00002; gnomAD exomes 0.00002; TOPMed 0.00002; gnomAD 0.00003.
gnomAD v4.1: 40 of 1,613,816 alleles (0.0025%); highest among the groups gnomAD compares: South Asian, 0.0066%; no homozygotes.

Submissions (2):

Ambry Genetics
Classification: Uncertain significance for Inborn genetic diseases. Last evaluated: 2025-06-24. Review status: criteria provided, single submitter. Criteria: Ambry Variant Classification Scheme 2023. Collection method: clinical testing. Allele origin: germline.

Labcorp Genetics (formerly Invitae), Labcorp
Classification: Uncertain significance. Last evaluated: 2022-07-18. Review status: criteria provided, single submitter. Criteria: Invitae Variant Classification Sherloc (09022015). Collection method: clinical testing. Allele origin: germline.
Comment: This sequence change replaces arginine, which is basic and polar, with cysteine, which is neutral and slightly polar, at codon 621 of the UBR1 protein (p.Arg621Cys). This variant is present in population databases (rs767710329, gnomAD 0.01%). This variant has not been reported in the literature in individuals affected with UBR1-related conditions. Algorithms developed to predict the effect of missense changes on protein structure and function are either unavailable or do not agree on the potential impact of this missense change (SIFT: "Deleterious"; PolyPhen-2: "Possibly Damaging"; Align-GVGD: "Class C15"). In summary, the available evidence is currently insufficient to determine the role of this variant in disease. Therefore, it has been classified as a Variant of Uncertain Significance.

NM_174916.3(UBR1):c.1861C>T (p.Arg621Cys)

Gene: UBR1 (ubiquitin protein ligase E3 component n-recognin 1; minus strand). Cytogenetic location: 15q15.2.
Variant type: single nucleotide variant.
Coding change: c.1861C>T on transcript NM_174916.3 (MANE Select); coding-DNA position 1861, C replaced by T.
Protein change: p.Arg621Cys; replaces arginine 621 with cysteine.
Molecular consequence: missense variant.
Genome position (GRCh38, 1-based): chr15:43,038,221, G>A on the plus strand (C>T on the coding strand, the complement: UBR1 is on the minus strand). VCF-style: chr15-43038221-G-A. GRCh37 (hg19) VCF-style: chr15-43330419-G-A.
Other names: short protein forms R621C.
Identifiers: ClinVar variation 2063048 (VCV002063048.3), dbSNP rs767710329, ClinGen allele CA7518633.